The following is an entry in ClinVar:

NM_000179.3(MSH6):c.2105C>G (p.Ser702Ter)

Gene: MSH6 (mutS homolog 6; plus strand). Cytogenetic location: 2p16.3.
Variant type: single nucleotide variant.
Coding change: c.2105C>G on transcript NM_000179.3 (MANE Select); coding-DNA position 2105, C replaced by G.
Protein change: p.Ser702Ter; replaces serine 702 with a stop codon.
Molecular consequence: nonsense.
Genome position (GRCh38, 1-based): chr2:47,800,088, C>G. VCF-style: chr2-47800088-C-G. GRCh37 (hg19) VCF-style: chr2-48027227-C-G.
Other names: c.1715C>G, p.Ser572Ter (NM_001281492.2); c.1199C>G, p.Ser400Ter (NM_001281493.2, NM_001281494.2); short protein forms S702*, S400*, S572*.
Identifiers: ClinVar variation 89253 (VCV000089253.18), dbSNP rs63751419, ClinGen allele CA009686.

ClinVar aggregate classification (germline): Pathogenic. Review status: reviewed by expert panel (3 of 4 stars). 5 submissions from 5 submitters: Pathogenic (1). 4 of the submissions do not count toward it. Last evaluated 2013-09-05.

Conditions:
Hereditary cancer-predisposing syndrome. Also called: Tumor predisposition; Hereditary Cancer Syndrome; Hereditary neoplastic syndrome; Neoplastic Syndromes, Hereditary. Identifiers: Orphanet 140162, MedGen C0027672, MeSH D009386, MONDO:0015356.
Lynch syndrome. Identifiers: Orphanet 144, MedGen C4552100, MONDO:0005835. Disease mechanism: loss of function.
Mismatch repair cancer syndrome 3. Identifiers: MedGen C5436807, MONDO:0030841, OMIM 619097.
Endometrial carcinoma. Also called: Endometrial carcinoma, somatic. Identifiers: MedGen C0476089, MONDO:0002447, OMIM 608089, HP:0012114.
Lynch syndrome 5 (LYNCH5). Also called: Colorectal cancer, hereditary nonpolyposis, type 5; Hereditary non-polyposis colorectal cancer, type 5. Identifiers: Orphanet 144, MedGen C1833477, MONDO:0013710, OMIM 614350. Disease mechanism: loss of function.
Hereditary nonpolyposis colorectal neoplasms. Identifiers: MedGen C0009405, MeSH D003123.

Submissions (5):

International Society for Gastrointestinal Hereditary Tumours (InSiGHT)
Classification: Pathogenic for Lynch Syndrome. Last evaluated: 2013-09-05. Review status: reviewed by expert panel. Criteria: Guidelines v1.9. Collection method: research. Allele origin: germline.
Comment: Coding sequence variation resulting in a stop codon

Classified with v1.9 guidelines

Myriad Genetics, Inc.
Classification: Pathogenic for Lynch syndrome 5. Last evaluated: 2023-08-16. Review status: criteria provided, single submitter. Criteria: Myriad Autosomal Dominant, Autosomal Recessive and X-Linked Classification Criteria (2023). Collection method: clinical testing. Allele origin: unknown. Not counted in ClinVar's aggregate classification.
Comment: This variant is considered pathogenic. This variant creates a termination codon and is predicted to result in premature protein truncation.

Labcorp Genetics (formerly Invitae), Labcorp
Classification: Pathogenic for Hereditary nonpolyposis colorectal neoplasms. Last evaluated: 2022-07-06. Review status: criteria provided, single submitter. Criteria: Invitae Variant Classification Sherloc (09022015). Collection method: clinical testing. Allele origin: germline. Not counted in ClinVar's aggregate classification.
Comment: This sequence change creates a premature translational stop signal (p.Ser702*) in the MSH6 gene. It is expected to result in an absent or disrupted protein product. Loss-of-function variants in MSH6 are known to be pathogenic (PMID: 18269114, 24362816). This variant is not present in population databases (gnomAD no frequency). For these reasons, this variant has been classified as Pathogenic. ClinVar contains an entry for this variant (Variation ID: 89253). This premature translational stop signal has been observed in individual(s) with Lynch syndrome (PMID: 14974087).

Fulgent Genetics
Classification: Pathogenic for Endometrial carcinoma; Lynch syndrome 5; Mismatch repair cancer syndrome 3. Last evaluated: 2022-04-10. Review status: criteria provided, single submitter. Criteria: ACMG Guidelines, 2015. Collection method: clinical testing. Allele origin: unknown. Not counted in ClinVar's aggregate classification.

Ambry Genetics
Classification: Pathogenic for Hereditary cancer-predisposing syndrome. Last evaluated: 2019-06-26. Review status: criteria provided, single submitter. Criteria: Ambry Variant Classification Scheme 2023. Collection method: clinical testing. Allele origin: germline. Not counted in ClinVar's aggregate classification.
Comment: The p.S702* pathogenic mutation (also known as c.2105C>G), located in coding exon 4 of the MSH6 gene, results from a C to G substitution at nucleotide position 2105. This changes the amino acid from a serine to a stop codon within coding exon 4. While this exact mutation has not been reported in the literature, a close match (c.2105C>A) giving rise to the same premature stop codon at amino acid position 702 has been reported in an individual diagnosed with colon, uterine, and ovarian cancer, with concordant tumor data showing loss of MSH6 via immunohistochemistry (Plaschke J et al. Hum. Mutat. 2004 Mar;23(3):285). This alteration is expected to result in loss of function by premature protein truncation or nonsense-mediated mRNA decay. As such, this alteration is interpreted as a disease-causing mutation.

Literature cited by the submitters: PubMed 18269114 (cited by Labcorp Genetics (formerly Invitae), Labcorp); PubMed 24362816 (cited by Labcorp Genetics (formerly Invitae), Labcorp); PubMed 14974087 (cited by Labcorp Genetics (formerly Invitae), Labcorp).